The following is an entry in ClinVar:

ClinVar aggregate classification (germline): Likely pathogenic (1 of 4 stars; one submission).

Conditions:
Pseudohypoaldosteronism type 2E (PHA2E). Also called: Pseudohypoaldosteronism Type IIE. Identifiers: Orphanet 300530, Orphanet 757, MedGen C3469606, MONDO:0013782, OMIM 614496.

Submission:

3billion
Classification: Likely pathogenic for Pseudohypoaldosteronism type 2E. Last evaluated: 2025-02-02. Review status: criteria provided, single submitter. Criteria: ACMG Guidelines, 2015. Collection method: clinical testing. Allele origin: germline. Affected: yes.
Comment: The variant is not observed in the gnomAD v4.1.0 dataset. Predicted Consequence/Location: Frameshift: predicted to result in a loss or disruption of normal protein function through nonsense-mediated decay (NMD) or protein truncation. Multiple pathogenic variants are reported downstream of the variant. Therefore, this variant is classified as Likely pathogenic according to the recommendation of ACMG/AMP guideline.

NM_003590.5(CUL3):c.1895del (p.Gln632fs)

Gene: CUL3 (cullin 3; minus strand). Cytogenetic location: 2q36.2.
Variant type: Deletion.
Coding change: c.1895del on transcript NM_003590.5 (MANE Select); coding-DNA position 1895, one base deleted (A; older notation c.1895delA).
Protein change: p.Gln632fs; shifts the reading frame from glutamine 632.
Molecular consequence: frameshift variant.
Genome position (GRCh38, 1-based): chr2:224,482,026, T deleted on the plus strand (A on the coding strand, the reverse complement: CUL3 is on the minus strand). VCF-style (leftmost placement, unchanged base first): chr2-224482025-CT-C. GRCh37 (hg19) VCF-style: chr2-225346742-CT-C.
Other names: c.1697del, p.Gln566fs (NM_001257197.2); c.1913del, p.Gln638fs (NM_001257198.2); short protein forms Q566fs, Q632fs, Q638fs.
Identifiers: ClinVar variation 4293125 (VCV004293125.1).
Genomic context (GRCh38, chr2:224,482,025, plus strand): 5'-TTCCTTTGATTTGGGTTCTTTTGTAAGAACCCGCTGTGTTGGTTTACCACAGGCGAGGGA[CT>C]GTAGGGCTCTAACAAGCTCTCTTTCAGGGATATCTGTCTCTTGCTGAATTTCCTGAAATT-3'